The following is an entry in ClinVar:

ClinVar aggregate classification (germline): Uncertain significance (1 of 4 stars; one submission).

Conditions:
Hereditary cancer-predisposing syndrome. Also called: Neoplastic Syndromes, Hereditary; Tumor predisposition; Hereditary Cancer Syndrome; Hereditary neoplastic syndrome. Identifiers: Orphanet 140162, MedGen C0027672, MeSH D009386, MONDO:0015356.

Submission:

Ambry Genetics
Classification: Uncertain significance for Hereditary cancer-predisposing syndrome. Last evaluated: 2025-09-27. Review status: criteria provided, single submitter. Criteria: Ambry Variant Classification Scheme 2023. Collection method: clinical testing. Allele origin: germline.
Comment: The p.D387Y variant (also known as c.1159G>T), located in coding exon 10 of the MRE11A gene, results from a G to T substitution at nucleotide position 1159. The aspartic acid at codon 387 is replaced by tyrosine, an amino acid with highly dissimilar properties. This amino acid position is conserved. In addition, the in silico prediction for this alteration is inconclusive. Based on the available evidence, the clinical significance of this variant remains unclear.

NM_005591.4(MRE11):c.1159G>T (p.Asp387Tyr)

Gene: MRE11 (MRE11 double strand break repair nuclease; minus strand). Cytogenetic location: 11q21.
Variant type: single nucleotide variant.
Coding change: c.1159G>T on transcript NM_005591.4 (MANE Select); coding-DNA position 1159, G replaced by T.
Protein change: p.Asp387Tyr; replaces aspartic acid 387 with tyrosine.
Molecular consequence: missense variant.
Genome position (GRCh38, 1-based): chr11:94,464,179, C>A on the plus strand (G>T on the coding strand, the complement: MRE11 is on the minus strand). VCF-style: chr11-94464179-C-A. GRCh37 (hg19) VCF-style: chr11-94197345-C-A.
Other names: c.1159G>T, p.Asp387Tyr (NM_001330347.2, NM_001440460.1, NM_001440461.1 and 15 more transcripts); c.1084G>T, p.Asp362Tyr (NM_001440471.1, NM_001440472.1, NM_001440479.1); c.1078G>T, p.Asp360Tyr (NM_001440473.1, NM_001440477.1, NM_001440478.1); c.814G>T, p.Asp272Tyr (NM_001440482.1, NM_001440483.1, NM_001440484.1); c.691G>T, p.Asp231Tyr (NM_001440485.1, NM_001440486.1, NM_001440487.1); short protein forms D387Y, D362Y, D360Y, D231Y, D272Y.
Identifiers: ClinVar variation 4651006 (VCV004651006.1).